The following is an entry in ClinVar:

ClinVar aggregate classification (germline): Uncertain significance. Review status: criteria provided, multiple submitters, no conflicts (2 of 4 stars). 3 submissions from 3 submitters: Uncertain significance (3). Last evaluated 2024-05-14.

Conditions:
Classic or attenuated familial adenomatous polyposis. Identifiers: MedGen CN372698, MONDO:0021057.
Hereditary cancer-predisposing syndrome. Also called: Neoplastic Syndromes, Hereditary; Tumor predisposition; Hereditary neoplastic syndrome; Hereditary Cancer Syndrome. Identifiers: Orphanet 140162, MedGen C0027672, MeSH D009386, MONDO:0015356.
Familial adenomatous polyposis 1 (FAP1). Also called: POLYPOSIS, ADENOMATOUS INTESTINAL; FAMILIAL ADENOMATOUS POLYPOSIS 1, ATTENUATED. Identifiers: MedGen C2713442, MONDO:0021056, OMIM 175100. Disease mechanism: loss of function.

Submissions (3):

All of Us Research Program, National Institutes of Health
Classification: Uncertain significance for Classic or attenuated familial adenomatous polyposis. Last evaluated: 2024-05-14. Review status: criteria provided, single submitter. Criteria: ACMG Guidelines, 2015. Collection method: clinical testing. Allele origin: germline. Inheritance: Autosomal dominant inheritance. Observed: 1 variant allele, 1 heterozygote.
Comment: This missense variant replaces serine with alanine at codon 346 of the APC protein. Computational prediction suggests that this variant may not impact protein structure and function (internally defined REVEL score threshold <= 0.5, PMID: 27666373). To our knowledge, functional studies have not been reported for this variant. This variant has not been reported in individuals affected with APC-related disorders in the literature. This variant has not been identified in the general population by the Genome Aggregation Database (gnomAD). The available evidence is insufficient to determine the role of this variant in disease conclusively. Therefore, this variant is classified as a Variant of Uncertain Significance.

This study involves interpretation of variants in research participants for the purpose of population health screening. Participant phenotype was not available at the time of variant classification. Additional details can be found in publication PMID: 35346344, PMCID: PMC8962531

Ambry Genetics
Classification: Uncertain significance for Hereditary cancer-predisposing syndrome. Last evaluated: 2022-09-02. Review status: criteria provided, single submitter. Criteria: Ambry Variant Classification Scheme 2023. Collection method: clinical testing. Allele origin: germline.
Comment: The p.S346A variant (also known as c.1036T>G), located in coding exon 9 of the APC gene, results from a T to G substitution at nucleotide position 1036. The serine at codon 346 is replaced by alanine, an amino acid with similar properties. This amino acid position is not well conserved in available vertebrate species. In addition, in silico predictors for this gene do not accurately predict pathogenicity. Since supporting evidence is limited at this time, the clinical significance of this alteration remains unclear.

Labcorp Genetics (formerly Invitae), Labcorp
Classification: Uncertain significance for Familial adenomatous polyposis 1. Last evaluated: 2021-06-16. Review status: criteria provided, single submitter. Criteria: Invitae Variant Classification Sherloc (09022015). Collection method: clinical testing. Allele origin: germline.
Comment: This sequence change replaces serine with alanine at codon 346 of the APC protein (p.Ser346Ala). The serine residue is moderately conserved and there is a moderate physicochemical difference between serine and alanine. This variant is not present in population databases (ExAC no frequency). This variant has not been reported in the literature in individuals with APC-related conditions. Algorithms developed to predict the effect of missense changes on protein structure and function (SIFT, PolyPhen-2, Align-GVGD) all suggest that this variant is likely to be tolerated, but these predictions have not been confirmed by published functional studies and their clinical significance is uncertain. In summary, the available evidence is currently insufficient to determine the role of this variant in disease. Therefore, it has been classified as a Variant of Uncertain Significance.

NM_000038.6(APC):c.1036T>G (p.Ser346Ala)

Gene: APC (APC regulator of Wnt signaling pathway; plus strand). Cytogenetic location: 5q22.2.
Variant type: single nucleotide variant.
Coding change: c.1036T>G on transcript NM_000038.6 (MANE Select); coding-DNA position 1036, T replaced by G.
Protein change: p.Ser346Ala; replaces serine 346 with alanine.
Molecular consequence: missense variant. On other transcripts: intron variant (4).
Genome position (GRCh38, 1-based): chr5:112,819,068, T>G. VCF-style: chr5-112819068-T-G. GRCh37 (hg19) VCF-style: chr5-112154765-T-G.
Other names: c.1036T>G, p.Ser346Ala (NM_001127510.3, NM_001354895.2, NM_001354896.2); c.982T>G, p.Ser328Ala (NM_001127511.3); c.1066T>G, p.Ser356Ala (NM_001354897.2); c.961T>G, p.Ser321Ala (NM_001354898.2); c.952T>G, p.Ser318Ala (NM_001354899.2); c.859T>G, p.Ser287Ala (NM_001354900.2, NM_001354901.2); c.187T>G, p.Ser63Ala (NM_001354906.2); c.964-201T>G (NM_001354902.2); and 3 more; short protein forms S328A, S346A, S321A, S287A, S318A, S356A, S63A.
Identifiers: ClinVar variation 1365288 (VCV001365288.11), dbSNP rs2149780184, ClinGen allele CA16023581.
Genomic context (GRCh38, chr5:112,819,068, plus strand): 5'-GATAAGGATGATATGTCGCGAACTTTGCTAGCTATGTCTAGCTCCCAAGACAGCTGTATA[T>G]CCATGCGACAGTCTGGATGTCTTCCTCTCCTCATCCAGCTTTTACATGGCAATGACAAAG-3'
Protein context (NP_000029.2, residues 336-356): AMSSSQDSCI[Ser346Ala]MRQSGCLPLL